The following is an entry in ClinVar:

NM_001100121.2(ECE2):c.1302G>A (p.Thr434=)

Genes: ECE2 (endothelin converting enzyme 2; plus strand), EEF1AKMT4-ECE2 (EEF1AKMT4-ECE2 readthrough; plus strand). Cytogenetic location: 3q27.1.
Variant type: single nucleotide variant.
Coding change: c.1302G>A on transcript NM_001100121.2 (MANE Select); coding-DNA position 1302, G replaced by A.
Protein change: p.Thr434=; no amino-acid change (threonine 434 retained).
Molecular consequence: synonymous variant.
Genome position (GRCh38, 1-based): chr3:184,287,875, G>A. VCF-style: chr3-184287875-G-A. GRCh37 (hg19) VCF-style: chr3-184005663-G-A.
Other names: c.1656G>A, p.Thr552= (NM_014693.4); c.1215G>A, p.Thr405= (NM_001037324.3); c.1440G>A, p.Thr480= (NM_001100120.2).
Identifiers: ClinVar variation 2654313 (VCV002654313.24), dbSNP rs781718047, ClinGen allele CA2730527.

ClinVar aggregate classification (germline): Likely benign (1 of 4 stars; one submission).

Allele frequency attached by ClinVar (database versions not stated): gnomAD 0.00003; TOPMed 0.00003.
gnomAD v4.1: 34 of 1,614,074 alleles (0.0021%); highest among the groups gnomAD compares: South Asian, 0.0088%; no homozygotes.

Submission:

CeGaT Center for Human Genetics Tuebingen
Classification: Likely benign. Last evaluated: 2022-04-01. Review status: criteria provided, single submitter. Criteria: CeGaT Center For Human Genetics Tuebingen Variant Classification Criteria Version 2. Collection method: clinical testing. Allele origin: germline. Affected: yes. Observed: 1 variant allele.
Comment: ECE2: BP4, BP7; EEF1AKMT4-ECE2: BP4, BP7